The following is an entry in ClinVar:

NM_000719.7(CACNA1C):c.5503G>A (p.Glu1835Lys)

Genes: CACNA1C-AS1 (CACNA1C antisense RNA 1; minus strand), CACNA1C (calcium voltage-gated channel subunit alpha1 C; plus strand). Cytogenetic location: 12p13.33.
Variant type: single nucleotide variant.
Coding change: c.5503G>A on transcript NM_000719.7 (MANE Select); coding-DNA position 5503, G replaced by A.
Protein change: p.Glu1835Lys; replaces glutamic acid 1835 with lysine.
Molecular consequence: missense variant.
Genome position (GRCh38, 1-based): chr12:2,682,608, G>A. VCF-style: chr12-2682608-G-A. GRCh37 (hg19) VCF-style: chr12-2791774-G-A.
Other names: c.5647G>A, p.Glu1883Lys (NM_001129827.2); c.5626G>A, p.Glu1876Lys (NM_001129829.2); c.5608G>A, p.Glu1870Lys (NM_001129830.3, NM_001167624.3); c.5587G>A, p.Glu1863Lys (NM_001129831.2); c.5563G>A, p.Glu1855Lys (NM_001129832.2); c.5560G>A, p.Glu1854Lys (NM_001129833.2, NM_001129834.2, NM_001129835.2); c.5554G>A, p.Glu1852Lys (NM_001129836.2); c.5527G>A, p.Glu1843Lys (NM_001129837.2, NM_001129838.2); and 6 more; short protein forms E1870K, E1835K, E1883K, E1832K, E1843K, E1855K, E1863K, E1895K.
Identifiers: ClinVar variation 411721 (VCV000411721.13), dbSNP rs1060503442, ClinGen allele CA16613790.
Genomic context (GRCh38, chr12:2,682,608, plus strand): 5'-AGGTGCCACTCCCGGGAGAGCCAGGCAGCCATGGCGGGTCAGGAGGAGACGTCTCAGGAT[G>A]AGACCTATGAAGTGAAGATGAACCATGACACGGAGGCCTGCAGTGAGCCCAGCCTGCTCT-3'
Protein context (NP_000710.5, residues 1825-1845): MAGQEETSQD[Glu1835Lys]TYEVKMNHDT

ClinVar aggregate classification (germline): Uncertain significance. Review status: criteria provided, multiple submitters, no conflicts (2 of 4 stars). 3 submissions from 3 submitters: Uncertain significance (3). Last evaluated 2025-10-01.

Conditions:
Cardiovascular phenotype. Identifiers: MedGen CN230736.
Long QT syndrome (LQTS). Identifiers: MedGen C0023976, MeSH D008133, MONDO:0002442. Disease mechanism: loss of function. Inheritance: Various modes of inheritance.

Allele frequency attached by ClinVar (database versions not stated): gnomAD exomes below 0.00001 and 0.00004; TOPMed below 0.00001.
gnomAD v4.1: 54 of 1,612,656 alleles (0.0033%); highest among the groups gnomAD compares: Non-Finnish European, 0.0044%; no homozygotes.

Submissions (3):

Labcorp Genetics (formerly Invitae), Labcorp
Classification: Uncertain significance for Long QT syndrome. Last evaluated: 2025-10-01. Review status: criteria provided, single submitter. Criteria: Invitae Variant Classification Sherloc (09022015). Collection method: clinical testing. Allele origin: germline.
Comment: This sequence change replaces glutamic acid, which is acidic and polar, with lysine, which is basic and polar, at codon 1835 of the CACNA1C protein (p.Glu1835Lys). This variant is present in population databases (no rsID available, gnomAD 0.003%). This variant has not been reported in the literature in individuals affected with CACNA1C-related conditions. ClinVar contains an entry for this variant (Variation ID: 411721). Invitae Evidence Modeling of protein sequence and biophysical properties (such as structural, functional, and spatial information, amino acid conservation, physicochemical variation, residue mobility, and thermodynamic stability) indicates that this missense variant is not expected to disrupt CACNA1C protein function with a negative predictive value of 95%. In summary, the available evidence is currently insufficient to determine the role of this variant in disease. Therefore, it has been classified as a Variant of Uncertain Significance.

Blueprint Genetics
Classification: Uncertain significance. Last evaluated: 2023-08-10. Review status: criteria provided, single submitter. Criteria: ACMG Guidelines, 2015. Collection method: clinical testing. Allele origin: germline.

Ambry Genetics
Classification: Uncertain significance for Cardiovascular phenotype. Last evaluated: 2020-03-12. Review status: criteria provided, single submitter. Criteria: Ambry Variant Classification Scheme 2023. Collection method: clinical testing. Allele origin: germline.
Comment: The p.E1835K variant (also known as c.5503G>A), located in coding exon 43 of the CACNA1C gene, results from a G to A substitution at nucleotide position 5503. The glutamic acid at codon 1835 is replaced by lysine, an amino acid with similar properties. This amino acid position is well conserved in available vertebrate species. In addition, the in silico prediction for this alteration is inconclusive. Since supporting evidence is limited at this time, the clinical significance of this alteration remains unclear.